The following is an entry in ClinVar:

NM_004525.3(LRP2):c.12000dup (p.Asp4001Ter)

Gene: LRP2 (LDL receptor related protein 2; minus strand). Cytogenetic location: 2q31.1.
Variant type: Duplication.
Coding change: c.12000dup on transcript NM_004525.3 (MANE Select); coding-DNA position 12000, one base duplicated (T; older notation c.12000dupT).
Protein change: p.Asp4001Ter; replaces aspartic acid 4001 with a stop codon.
Molecular consequence: nonsense.
Genome position (GRCh38, 1-based): chr2:169,157,390, A duplicated on the plus strand (T on the coding strand, the reverse complement: LRP2 is on the minus strand); the first of 5 consecutive A bases (chr2:169,157,390-169,157,394); duplicating any one gives the same sequence. VCF-style (leftmost placement, unchanged base first): chr2-169157389-C-CA. GRCh37 (hg19) VCF-style: chr2-170013899-C-CA.
Other names: short protein forms D4001*.
Identifiers: ClinVar variation 2087187 (VCV002087187.4), dbSNP rs2545687862, ClinGen allele CA2580064406.

ClinVar aggregate classification (germline): Pathogenic (1 of 4 stars; one submission).

Submission:

Labcorp Genetics (formerly Invitae), Labcorp
Classification: Pathogenic. Last evaluated: 2022-01-17. Review status: criteria provided, single submitter. Criteria: Invitae Variant Classification Sherloc (09022015). Collection method: clinical testing. Allele origin: germline.
Comment: This variant has not been reported in the literature in individuals affected with LRP2-related conditions. This sequence change creates a premature translational stop signal (p.Asp4001*) in the LRP2 gene. It is expected to result in an absent or disrupted protein product. Loss-of-function variants in LRP2 are known to be pathogenic (PMID: 17632512, 25682901). This variant is not present in population databases (gnomAD no frequency). For these reasons, this variant has been classified as Pathogenic.

Literature cited by the submitters: PubMed 17632512; PubMed 25682901.